The following is an entry in ClinVar:

NM_003070.5(SMARCA2):c.3519G>T (p.Arg1173Ser)

Gene: SMARCA2 (SWI/SNF related, matrix associated, actin dependent regulator of chromatin, subfamily a, member 2; plus strand). Cytogenetic location: 9p24.3.
Variant type: single nucleotide variant.
Coding change: c.3519G>T on transcript NM_003070.5 (MANE Select); coding-DNA position 3519, G replaced by T.
Protein change: p.Arg1173Ser; replaces arginine 1173 with serine.
Molecular consequence: missense variant.
Genome position (GRCh38, 1-based): chr9:2,115,884, G>T. VCF-style: chr9-2115884-G-T. GRCh37 (hg19) VCF-style: chr9-2115884-G-T.
Other names: c.3519G>T, p.Arg1173Ser (NM_001289396.2, NM_139045.4); c.3345G>T, p.Arg1115Ser (NM_001289397.2); short protein forms R1115S, R1173S.
Identifiers: ClinVar variation 1305100 (VCV001305100.2), dbSNP rs2130599717, ClinGen allele CA372788760.

ClinVar aggregate classification (germline): Uncertain significance (1 of 4 stars; one submission).

Submission:

GeneDx
Classification: Uncertain significance. Last evaluated: 2019-04-16. Review status: criteria provided, single submitter. Criteria: GeneDx Variant Classification Process June 2021. Collection method: clinical testing. Allele origin: germline. Affected: yes.
Comment: Not observed in large population cohorts (Lek et al., 2016); In silico analysis, which includes protein predictors and evolutionary conservation, supports a deleterious effect; Has not been previously published as pathogenic or benign to our knowledge